The following is an entry in ClinVar:

ClinVar aggregate classification (germline): Conflicting classifications of pathogenicity. Review status: criteria provided, conflicting classifications (1 of 4 stars). 2 submissions from 2 submitters: Uncertain significance (1); Likely benign (1). Last evaluated 2025-02-10.

Conditions:
AHI1-related disorder. Also called: AHI1-related condition.
Joubert syndrome. Also called: JOUBERT-BOLTSHAUSER SYNDROME; Familial aplasia of the vermis. Identifiers: Orphanet 475, MedGen C5979921, MONDO:0018772.

Allele frequency attached by ClinVar (database versions not stated): gnomAD 0.00001; gnomAD exomes 0.00001; ExAC 0.00006.
gnomAD v4.1: 9 of 1,571,138 alleles (0.00057%); highest among the groups gnomAD compares: South Asian, 0.011%; no homozygotes.

Submissions (2):

PreventionGenetics, part of Exact Sciences
Classification: Likely benign for AHI1-related condition. Last evaluated: 2025-02-10. Review status: criteria provided, single submitter. Criteria: ACMG Guidelines, 2015. Collection method: clinical testing. Allele origin: germline.
Comment: This variant is classified as likely benign based on ACMG/AMP sequence variant interpretation guidelines (Richards et al. 2015 PMID: 25741868, with internal and published modifications).

Labcorp Genetics (formerly Invitae), Labcorp
Classification: Uncertain significance for Joubert syndrome. Last evaluated: 2022-09-13. Review status: criteria provided, single submitter. Criteria: Invitae Variant Classification Sherloc (09022015). Collection method: clinical testing. Allele origin: germline.
Comment: This sequence change falls in intron 9 of the AHI1 gene. It does not directly change the encoded amino acid sequence of the AHI1 protein. It affects a nucleotide within the consensus splice site. The frequency data for this variant in the population databases is considered unreliable, as metrics indicate poor data quality at this position in the gnomAD database. This variant has not been reported in the literature in individuals affected with AHI1-related conditions. Variants that disrupt the consensus splice site are a relatively common cause of aberrant splicing (PMID: 17576681, 9536098). Algorithms developed to predict the effect of sequence changes on RNA splicing suggest that this variant is not likely to affect RNA splicing. In summary, the available evidence is currently insufficient to determine the role of this variant in disease. Therefore, it has been classified as a Variant of Uncertain Significance.

Literature cited by the submitters: PubMed 17576681 (cited by Labcorp Genetics (formerly Invitae), Labcorp); PubMed 9536098 (cited by Labcorp Genetics (formerly Invitae), Labcorp).

NM_001134831.2(AHI1):c.1344+4T>C

Gene: AHI1 (Abelson helper integration site 1; minus strand). Cytogenetic location: 6q23.3.
Variant type: single nucleotide variant.
Coding change: c.1344+4T>C on transcript NM_001134831.2 (MANE Select); 4 bases into the intron after coding-DNA position 1344, T replaced by C.
Molecular consequence: intron variant.
Genome position (GRCh38, 1-based): chr6:135,455,730, A>G on the plus strand (T>C on the coding strand, the complement: AHI1 is on the minus strand). VCF-style: chr6-135455730-A-G. GRCh37 (hg19) VCF-style: chr6-135776868-A-G.
Other names: c.1344+4T>C (NM_001134830.2, NM_001350503.2, NM_017651.5 and 3 more transcripts).
Identifiers: ClinVar variation 2143907 (VCV002143907.2), dbSNP rs756186293, ClinGen allele CA4012613.